The following is an entry in ClinVar:

ClinVar aggregate classification (germline): Uncertain significance (1 of 4 stars; one submission).

Conditions:
Charcot-Marie-Tooth disease axonal type 2O. Also called: Charcot-Marie-Tooth Neuropathy Type 2O; CHARCOT-MARIE-TOOTH NEUROPATHY, AXONAL, TYPE 2O; CHARCOT-MARIE-TOOTH DISEASE, AXONAL, AUTOSOMAL DOMINANT, TYPE 2O; Charcot-Marie-Tooth disease, axonal, type 20. Identifiers: Orphanet 284232, MedGen C3280220, MONDO:0013644, OMIM 614228.

Submission:

Labcorp Genetics (formerly Invitae), Labcorp
Classification: Uncertain significance for Charcot-Marie-Tooth disease axonal type 2O. Last evaluated: 2022-10-27. Review status: criteria provided, single submitter. Criteria: Invitae Variant Classification Sherloc (09022015). Collection method: clinical testing. Allele origin: germline.
Comment: In summary, the available evidence is currently insufficient to determine the role of this variant in disease. Therefore, it has been classified as a Variant of Uncertain Significance. Advanced modeling of protein sequence and biophysical properties (such as structural, functional, and spatial information, amino acid conservation, physicochemical variation, residue mobility, and thermodynamic stability) performed at Invitae indicates that this missense variant is not expected to disrupt DYNC1H1 protein function. This variant has not been reported in the literature in individuals affected with DYNC1H1-related conditions. This variant is not present in population databases (gnomAD no frequency). This sequence change replaces tyrosine, which is neutral and polar, with cysteine, which is neutral and slightly polar, at codon 2901 of the DYNC1H1 protein (p.Tyr2901Cys).

NM_001376.5(DYNC1H1):c.8702A>G (p.Tyr2901Cys)

Gene: DYNC1H1 (dynein cytoplasmic 1 heavy chain 1; plus strand). Cytogenetic location: 14q32.31.
Variant type: single nucleotide variant.
Coding change: c.8702A>G on transcript NM_001376.5 (MANE Select); coding-DNA position 8702, A replaced by G.
Protein change: p.Tyr2901Cys; replaces tyrosine 2901 with cysteine.
Molecular consequence: missense variant.
Genome position (GRCh38, 1-based): chr14:102,026,638, A>G. VCF-style: chr14-102026638-A-G. GRCh37 (hg19) VCF-style: chr14-102492975-A-G.
Other names: short protein forms Y2901C.
Identifiers: ClinVar variation 1721858 (VCV001721858.5), dbSNP rs2503801512, ClinGen allele CA391009003.